The following is an entry in ClinVar:

ClinVar aggregate classification (germline): Uncertain significance. Review status: criteria provided, multiple submitters, no conflicts (2 of 4 stars). 2 submissions from 2 submitters: Uncertain significance (2). Last evaluated 2025-10-23.

Conditions:
PKHD1L1-related disorder. Also called: PKHD1L1-related condition.

Allele frequency attached by ClinVar (database versions not stated): gnomAD exomes 0.00005; ExAC 0.00009; 1000 Genomes Project 30x 0.00031; gnomAD 0.00032; 1000 Genomes Project 0.00040; TOPMed 0.00053; ESP Exome Variant Server 0.00058.
gnomAD v4.1: 128 of 1,613,006 alleles (0.0079%); highest among the groups gnomAD compares: African/African-American, 0.1%; no homozygotes.

Submissions (2):

PreventionGenetics, part of Exact Sciences
Classification: Uncertain significance for PKHD1L1-related condition. Last evaluated: 2025-10-23. Review status: criteria provided, single submitter. Criteria: ACMG Guidelines, 2015. Collection method: clinical testing. Allele origin: germline.
Comment: The PKHD1L1 c.12434C>T variant is predicted to result in the amino acid substitution p.Pro4145Leu. To our knowledge, this variant has not been reported in the literature. This variant is reported in 0.079% of alleles in individuals of African descent in gnomAD. Although we suspect that this variant may be benign, at this time, the clinical significance of this variant is uncertain due to the absence of conclusive functional and genetic evidence.

Ambry Genetics
Classification: Uncertain significance. Last evaluated: 2024-01-22. Review status: criteria provided, single submitter. Criteria: Ambry Variant Classification Scheme 2023. Collection method: clinical testing. Allele origin: germline.

NM_177531.6(PKHD1L1):c.12434C>T (p.Pro4145Leu)

Gene: PKHD1L1 (PKHD1 like 1; plus strand). Cytogenetic location: 8q23.2.
Variant type: single nucleotide variant.
Coding change: c.12434C>T on transcript NM_177531.6 (MANE Select); coding-DNA position 12434, C replaced by T.
Protein change: p.Pro4145Leu; replaces proline 4145 with leucine.
Molecular consequence: missense variant.
Genome position (GRCh38, 1-based): chr8:109,523,336, C>T. VCF-style: chr8-109523336-C-T. GRCh37 (hg19) VCF-style: chr8-110535565-C-T.
Other names: short protein forms P4145L.
Identifiers: ClinVar variation 3213789 (VCV003213789.2), dbSNP rs200670244, ClinGen allele CA4847147.